The following is an entry in ClinVar:

ClinVar aggregate classification (germline): Pathogenic. Review status: criteria provided, multiple submitters, no conflicts (2 of 4 stars). 3 submissions from 3 submitters: Pathogenic (3). Last evaluated 2024-05-17.

Conditions:
Muscular dystrophy-dystroglycanopathy (congenital with brain and eye anomalies), type A2. Also called: MUSCULAR DYSTROPHY-DYSTROGLYCANOPATHY (CONGENITAL WITH BRAIN AND EYE ANOMALIES), TYPE A, 2; WALKER-WARBURG SYNDROME OR MUSCLE-EYE-BRAIN DISEASE, POMT2-RELATED. Identifiers: Orphanet 588, Orphanet 899, MedGen C3150411, MONDO:0013154, OMIM 613150.
Muscular dystrophy-dystroglycanopathy (congenital with impaired intellectual development), type B, 2. Also called: MUSCULAR DYSTROPHY, CONGENITAL, POMT2-RELATED; Muscular dystrophy-dystroglycanopathy (congenital with intellectual disability), type B2. Identifiers: MedGen C3150416, MONDO:0013160, OMIM 613156.
Autosomal recessive limb-girdle muscular dystrophy type 2N. Also called: MUSCULAR DYSTROPHY-DYSTROGLYCANOPATHY, LIMB-GIRDLE, POMT2-RELATED; Muscular dystrophy-dystroglycanopathy (limb-girdle), type C, 2. Identifiers: Orphanet 206559, MedGen C3150418, MONDO:0013162, OMIM 613158.

Submissions (3):

Fulgent Genetics
Classification: Pathogenic for Muscular dystrophy-dystroglycanopathy (congenital with brain and eye anomalies), type A2; Muscular dystrophy-dystroglycanopathy (congenital with impaired intellectual development), type B, 2; Autosomal recessive limb-girdle muscular dystrophy type 2N. Last evaluated: 2024-05-17. Review status: criteria provided, single submitter. Criteria: ACMG Guidelines, 2015. Collection method: clinical testing. Allele origin: germline.

Baylor Genetics
Classification: Pathogenic for Muscular dystrophy-dystroglycanopathy (congenital with brain and eye anomalies), type A2. Last evaluated: 2024-02-10. Review status: criteria provided, single submitter. Criteria: ACMG Guidelines, 2015. Collection method: clinical testing. Allele origin: unknown.

Labcorp Genetics (formerly Invitae), Labcorp
Classification: Pathogenic for Muscular dystrophy-dystroglycanopathy (congenital with impaired intellectual development), type B, 2; Muscular dystrophy-dystroglycanopathy (congenital with brain and eye anomalies), type A2; Autosomal recessive limb-girdle muscular dystrophy type 2N. Last evaluated: 2023-06-23. Review status: criteria provided, single submitter. Criteria: Invitae Variant Classification Sherloc (09022015). Collection method: clinical testing. Allele origin: germline.
Comment: This sequence change creates a premature translational stop signal (p.Ala351Profs*47) in the POMT2 gene. It is expected to result in an absent or disrupted protein product. Loss-of-function variants in POMT2 are known to be pathogenic (PMID: 15894594). This variant is present in population databases (rs754755294, gnomAD 0.007%). This premature translational stop signal has been observed in individual(s) with POMT2-related conditions (PMID: 17559086, 17878207). For these reasons, this variant has been classified as Pathogenic.

Literature cited by the submitters: PubMed 15894594 (cited by Labcorp Genetics (formerly Invitae), Labcorp); PubMed 17559086 (cited by Labcorp Genetics (formerly Invitae), Labcorp); PubMed 17878207 (cited by Labcorp Genetics (formerly Invitae), Labcorp).

NM_013382.7(POMT2):c.1051del (p.Ala351fs)

Gene: POMT2 (protein O-mannosyltransferase 2; minus strand). Cytogenetic location: 14q24.3.
Variant type: Deletion.
Coding change: c.1051del on transcript NM_013382.7 (MANE Select); coding-DNA position 1051, one base deleted (G; older notation c.1051delG).
Protein change: p.Ala351fs; shifts the reading frame from alanine 351.
Molecular consequence: frameshift variant.
Genome position (GRCh38, 1-based): chr14:77,296,229, C deleted on the plus strand (G on the coding strand, the reverse complement: POMT2 is on the minus strand); the first of 2 consecutive C bases (chr14:77,296,229-77,296,230); deleting either gives the same sequence. VCF-style (leftmost placement, unchanged base first): chr14-77296228-GC-G. GRCh37 (hg19) VCF-style: chr14-77762571-GC-G.
Other names: short protein forms A351fs.
Identifiers: ClinVar variation 2924951 (VCV002924951.5), dbSNP rs754755294, ClinGen allele CA7286001.